The following is an entry in ClinVar:

NM_001365536.1(SCN9A):c.4343C>T (p.Thr1448Ile)

Genes: SCN1A-AS1 (SCN1A and SCN9A antisense RNA 1; plus strand), SCN9A (sodium voltage-gated channel alpha subunit 9; minus strand). Cytogenetic location: 2q24.3.
Variant type: single nucleotide variant.
Coding change: c.4343C>T on transcript NM_001365536.1 (MANE Select); coding-DNA position 4343, C replaced by T.
Protein change: p.Thr1448Ile; replaces threonine 1448 with isoleucine.
Molecular consequence: missense variant.
Genome position (GRCh38, 1-based): chr2:166,226,622, G>A on the plus strand (C>T on the coding strand, the complement: SCN9A is on the minus strand). VCF-style: chr2-166226622-G-A. GRCh37 (hg19) VCF-style: chr2-167083132-G-A.
Other names: c.4310C>T, p.Thr1437Ile (NM_002977.4); short protein forms T1437I, T1448I.
Identifiers: ClinVar variation 2672831 (VCV002672831.23), dbSNP rs1449960512, ClinGen allele CA349061941.

ClinVar aggregate classification (germline): Uncertain significance (1 of 4 stars; one submission).

Allele frequency attached by ClinVar (database versions not stated): gnomAD exomes below 0.00001.
gnomAD v4.1: 3 of 1,588,818 alleles (0.00019%); highest among the groups gnomAD compares: Non-Finnish European, 0.00026%; no homozygotes.

Submission:

CeGaT Center for Human Genetics Tuebingen
Classification: Uncertain significance. Last evaluated: 2023-11-01. Review status: criteria provided, single submitter. Criteria: CeGaT Center For Human Genetics Tuebingen Variant Classification Criteria Version 2. Collection method: clinical testing. Allele origin: germline. Affected: yes. Observed: 1 variant allele.
Comment: SCN9A: PM2, PP3